The following is an entry in ClinVar:

NM_194454.3(KRIT1):c.1201_1204dup (p.Asn402fs)

Gene: KRIT1 (KRIT1 ankyrin repeat containing; minus strand). Cytogenetic location: 7q21.2.
Variant type: Microsatellite.
Coding change: c.1201_1204dup on transcript NM_194454.3 (MANE Select); coding-DNA positions 1201 to 1204, 4 bases duplicated (CAAA; older notation c.1201_1204dupCAAA).
Protein change: p.Asn402fs; shifts the reading frame from asparagine 402.
Molecular consequence: frameshift variant.
Genome position (GRCh38, 1-based): chr7:92,225,770-92,225,773, TTTG duplicated on the plus strand (CAAA on the coding strand, the reverse complement: KRIT1 is on the minus strand); duplicating any 4 consecutive bases within chr7:92,225,770-92,225,780 gives the same sequence; the c. name uses the placement nearest the transcript's 3' end. VCF-style (leftmost placement, unchanged base first): chr7-92225769-T-TTTTG. GRCh37 (hg19) VCF-style: chr7-91855083-T-TTTTG.
Other names: c.1201_1204dupCAAA (NM_194456.1); c.1057_1060dup, p.Asn354fs (NM_001013406.2, NM_001350669.1, NM_001350670.1); c.487_490dup, p.Asn164fs (NM_001350671.1); c.1201_1204dup, p.Asn402fs (NM_001350672.1, NM_001350673.1, NM_001350674.1 and 26 more transcripts); short protein forms N402fs, N164fs, N354fs.
Identifiers: ClinVar variation 4989458 (VCV004989458.1).

ClinVar aggregate classification (germline): Pathogenic (1 of 4 stars; one submission).

Conditions:
KRIT1-related disorder. Also called: KRIT1-related disorders; KRIT1-related condition.

Submission:

PreventionGenetics, part of Exact Sciences
Classification: Pathogenic for KRIT1-related condition. Last evaluated: 2025-11-05. Review status: criteria provided, single submitter. Criteria: ACMG Guidelines, 2015. Collection method: clinical testing. Allele origin: germline.
Comment: The KRIT1 c.1201_1204dupCAAA variant is predicted to result in a frameshift and premature protein termination (p.Asn402Thrfs*16). To our knowledge, this variant has not been reported in the literature or in a large population database (gnomAD), indicating this variant is rare. Loss-of-function variants are a well-established type of pathogenic variant in KRIT1, and several other frameshift variants in the same exon as the c.1201_1204dup variant have been reported to be causative for cerebral cavernous malformations (see for example Cavé-Riant et al. 2002. PubMed ID: 12404106; Limaye et al. 2007. PubMed ID: 18383594; Riant et al. 2013. PubMed ID: 23595507). Frameshift variants in KRIT1 are expected to be pathogenic. This variant is interpreted as pathogenic.